The following is an entry in ClinVar:

NM_001008216.2(GALE):c.710G>A (p.Gly237Asp)

Gene: GALE (UDP-galactose-4-epimerase; minus strand). Cytogenetic location: 1p36.11.
Variant type: single nucleotide variant.
Coding change: c.710G>A on transcript NM_001008216.2 (MANE Select); coding-DNA position 710, G replaced by A.
Protein change: p.Gly237Asp; replaces glycine 237 with aspartic acid.
Molecular consequence: missense variant.
Genome position (GRCh38, 1-based): chr1:23,796,782, C>T on the plus strand (G>A on the coding strand, the complement: GALE is on the minus strand). VCF-style: chr1-23796782-C-T. GRCh37 (hg19) VCF-style: chr1-24123272-C-T.
Other names: c.710G>A, p.Gly237Asp (NM_000403.4, NM_001127621.2); short protein forms G237D.
Identifiers: ClinVar variation 596688 (VCV000596688.12), dbSNP rs756944736, ClinGen allele CA685562.

ClinVar aggregate classification (germline): Uncertain significance. Review status: criteria provided, multiple submitters, no conflicts (2 of 4 stars). 5 submissions from 5 submitters: Uncertain significance (4). 1 of the submissions does not count toward it. Last evaluated 2024-11-20.

Conditions:
Thrombocytopenia 13, syndromic. Also called: THROMBOCYTOPENIA, AUTOSOMAL RECESSIVE, 13. Identifiers: MedGen C5935599, MONDO:0958333, OMIM 620776.
UDPglucose-4-epimerase deficiency. Also called: Epimerase Deficiency Galactosemia; UDP-GALACTOSE-4-EPIMERASE DEFICIENCY; Galactose epimerase deficiency; GALACTOSEMIA III; GALE DEFICIENCY; UDPglucose 4-Epimerase Deficiency Disease. Identifiers: Orphanet 352, Orphanet 79238, MedGen C0751161, MONDO:0009257, OMIM 230350.

Allele frequency attached by ClinVar (database versions not stated): ExAC 0.00001; gnomAD exomes 0.00001.

Submissions (5):

Women's Health and Genetics/Laboratory Corporation of America, LabCorp
Classification: Uncertain significance. Last evaluated: 2024-11-20. Review status: criteria provided, single submitter. Criteria: LabCorp Variant Classification Summary - May 2015. Collection method: clinical testing. Allele origin: germline.
Comment: Variant summary: GALE c.710G>A (p.Gly237Asp) results in a non-conservative amino acid change located in the UDP-glucose 4 epimerase, subgroup 1, extended (e) domain (IPR005886) of the encoded protein sequence. Three of three in-silico tools predict a damaging effect of the variant on protein function. Consensus agreement among computation tools predict no significant impact on normal splicing. However, these predictions have yet to be confirmed by functional studies. The variant allele was found at a frequency of 8.2e-06 in 243570 control chromosomes. The available data on variant occurrences in the general population are insufficient to allow any conclusion about variant significance. c.710G>A has been reported in the literature in one individual affected with a non-generalized form of GALE deficiency, (example, Febres-Aldana_2020). These data do not allow any conclusion about variant significance. To our knowledge, no experimental evidence demonstrating an impact on protein function has been reported. The following publication has been ascertained in the context of this evaluation (PMID: 33510604). ClinVar contains an entry for this variant (Variation ID: 596688). Based on the evidence outlined above, the variant was classified as uncertain significance.

Labcorp Genetics (formerly Invitae), Labcorp
Classification: Uncertain significance for UDPglucose-4-epimerase deficiency. Last evaluated: 2022-06-28. Review status: criteria provided, single submitter. Criteria: Invitae Variant Classification Sherloc (09022015). Collection method: clinical testing. Allele origin: germline.
Comment: This sequence change replaces glycine, which is neutral and non-polar, with aspartic acid, which is acidic and polar, at codon 237 of the GALE protein (p.Gly237Asp). This variant is present in population databases (rs756944736, gnomAD 0.006%). This missense change has been observed in individual(s) with clinical features of epimerase deficiency galactosemia (Invitae). ClinVar contains an entry for this variant (Variation ID: 596688). Algorithms developed to predict the effect of missense changes on protein structure and function (SIFT, PolyPhen-2, Align-GVGD) all suggest that this variant is likely to be disruptive. In summary, the available evidence is currently insufficient to determine the role of this variant in disease. Therefore, it has been classified as a Variant of Uncertain Significance.

Rady Children's Institute for Genomic Medicine, Rady Children's Hospital San Diego
Classification: Uncertain significance for UDPglucose-4-epimerase deficiency. Last evaluated: 2019-11-11. Review status: criteria provided, single submitter. Criteria: ACMG Guidelines, 2015. Collection method: clinical testing. Allele origin: germline. Affected: yes.
Comment: This variant has not been previously reported or functionally characterized in the literature to our knowledge. It is present in the heterozygous state in the gnomAD population database at a frequency of 0.001% (2/238416) and thus is presumed to be rare. The c.710G>A (p.Gly237Asp) variant affects a highly conserved amino acid and is predicted by multiple in silico tools to have a deleterious effect on protein function. Based on the available evidence, the c.710G>A (p.Gly237Asp) variant is classified as a Variant of Uncertain Significance.

Eurofins Ntd Llc (ga)
Classification: Uncertain significance. Last evaluated: 2018-03-23. Review status: criteria provided, single submitter. Criteria: EGL ClinVar v180209 classification definitions. Collection method: clinical testing. Allele origin: germline. Observed: 2 variant alleles, 2 heterozygotes.

OMIM
Classification: Pathogenic for THROMBOCYTOPENIA 13, SYNDROMIC. Last evaluated: 2024-04-05. Review status: no assertion criteria provided. Collection method: literature only. Allele origin: germline. Not counted in ClinVar's aggregate classification.

Literature cited by the submitters: PubMed 33510604 (cited by Women's Health and Genetics/Laboratory Corporation of America, LabCorp and OMIM).